The following is an entry in ClinVar:

ClinVar aggregate classification (germline): Uncertain significance. Review status: criteria provided, multiple submitters, no conflicts (2 of 4 stars). 3 submissions from 3 submitters: Uncertain significance (3). Last evaluated 2025-11-11.

Conditions:
Cardiovascular phenotype. Identifiers: MedGen CN230736.
TTN-related disorder. Also called: TTN-related condition; TTN-related disease; TTN-related disorders.
Autosomal recessive limb-girdle muscular dystrophy type 2J (LGMDR10). Also called: Limb-girdle muscular dystrophy, type 2J; MUSCULAR DYSTROPHY, LIMB-GIRDLE, AUTOSOMAL RECESSIVE 10. Identifiers: Orphanet 140922, MedGen C1837342, MONDO:0012127, OMIM 608807.
Dilated cardiomyopathy 1G (CMD1G). Identifiers: Orphanet 154, MedGen C1858763, MONDO:0011400, OMIM 604145.

Allele frequency attached by ClinVar (database versions not stated): gnomAD exomes below 0.00001.
gnomAD v4.1: 7 of 1,614,076 alleles (0.00043%); highest among the groups gnomAD compares: Non-Finnish European, 0.00051%; no homozygotes.

Submissions (3):

PreventionGenetics, part of Exact Sciences
Classification: Uncertain significance for TTN-related condition. Last evaluated: 2025-11-11. Review status: criteria provided, single submitter. Criteria: ACMG Guidelines, 2015. Collection method: clinical testing. Allele origin: germline.
Comment: The TTN c.9533A>T variant is predicted to result in the amino acid substitution p.His3178Leu. To our knowledge, this variant has not been reported in the literature. This variant is reported in 0.00088% of alleles in individuals of European (Non-Finnish) descent in gnomAD. At this time, the clinical significance of this variant is uncertain due to the absence of conclusive functional and genetic evidence.

Ambry Genetics
Classification: Uncertain significance for Cardiovascular phenotype. Last evaluated: 2020-05-11. Review status: criteria provided, single submitter. Criteria: Ambry Variant Classification Scheme 2023. Collection method: clinical testing. Allele origin: germline.
Comment: The p.H3132L variant (also known as c.9395A>T), located in coding exon 39 of the TTN gene, results from an A to T substitution at nucleotide position 9395. The histidine at codon 3132 is replaced by leucine, an amino acid with similar properties. This amino acid position is not well conserved in available vertebrate species. In addition, the in silico prediction for this alteration is inconclusive. Since supporting evidence is limited at this time, the clinical significance of this alteration remains unclear.

Labcorp Genetics (formerly Invitae), Labcorp
Classification: Uncertain significance for Dilated cardiomyopathy 1G; Autosomal recessive limb-girdle muscular dystrophy type 2J. Last evaluated: 2017-05-10. Review status: criteria provided, single submitter. Criteria: Invitae Variant Classification Sherloc (09022015). Collection method: clinical testing. Allele origin: germline.

NM_001267550.2(TTN):c.9533A>T (p.His3178Leu)

Gene: TTN (titin; minus strand). Cytogenetic location: 2q31.2.
Variant type: single nucleotide variant.
Coding change: c.9533A>T on transcript NM_001267550.2 (MANE Select); coding-DNA position 9533, A replaced by T.
Protein change: p.His3178Leu; replaces histidine 3178 with leucine.
Molecular consequence: missense variant.
Genome position (GRCh38, 1-based): chr2:178,766,551, T>A on the plus strand (A>T on the coding strand, the complement: TTN is on the minus strand). VCF-style: chr2-178766551-T-A. GRCh37 (hg19) VCF-style: chr2-179631278-T-A.
Other names: c.9395A>T, p.His3132Leu (NM_003319.4, NM_133432.3, NM_133437.4); c.9533A>T, p.His3178Leu (NM_001256850.1, NM_133378.4, NM_133379.5); short protein forms H3178L, H3132L.
Identifiers: ClinVar variation 467674 (VCV000467674.8), dbSNP rs1334781459, ClinGen allele CA349674952.
Genomic context (GRCh38, chr2:178,766,551, plus strand): 5'-ACTACATATTTGTGTCGTTCTTGAACTTGGAAATTGATTTCAATGCCATCTTTATACCAG[T>A]GGGCATCAACATCGTCTTCATTGACCTCAAATTCAACAACAGCACGCTGTTTCTCAATGA-3'
Protein context (NP_001254479.2, residues 3168-3188): FEVNEDDVDA[His3178Leu]WYKDGIEINF